The following is an entry in ClinVar:

ClinVar aggregate classification (germline): Conflicting classifications of pathogenicity. Review status: criteria provided, conflicting classifications (1 of 4 stars). 6 submissions from 6 submitters: Pathogenic (2); Likely pathogenic (3); Uncertain significance (1). Last evaluated 2024-10-18.

Conditions:
Retinitis pigmentosa 39 (RP39). Identifiers: Orphanet 791, MedGen C3151138, MONDO:0013436, OMIM 613809.
Usher syndrome type 2A. Also called: RETINAL DISEASE IN USHER SYNDROME TYPE IIA, MODIFIER OF; USHER SYNDROME, TYPE IIA. Identifiers: Orphanet 231178, Orphanet 886, MedGen C1848634, MONDO:0010169, OMIM 276901.
Usher syndrome. Also called: Usher Syndromes; Usher's syndrome. Identifiers: Orphanet 886, MedGen CN469326, MeSH D052245, MONDO:0019501. Disease mechanism: loss of function.

Allele frequency attached by ClinVar (database versions not stated): gnomAD exomes below 0.00001.
gnomAD v4.1: 2 of 1,614,048 alleles (0.00012%); highest among the groups gnomAD compares: East Asian, 0.0022%; no homozygotes.

Submissions (6):

Women's Health and Genetics/Laboratory Corporation of America, LabCorp
Classification: Pathogenic for Usher syndrome. Last evaluated: 2024-10-18. Review status: criteria provided, single submitter. Criteria: LabCorp Variant Classification Summary - May 2015. Collection method: clinical testing. Allele origin: germline.
Comment: Variant summary: USH2A c.13546G>T (p.Gly4516Trp) results in a non-conservative amino acid change located in the Fibronectin type III domain (IPR003961) of the encoded protein sequence. Five of five in-silico tools predict a damaging effect of the variant on protein function. The variant was absent in 250978 control chromosomes. c.13546G>T has been reported in the literature in the compound heterozygous state in multiple individuals affected with Usher Syndrome or retinitis pigmentosa (Gao_2021, Bernardis_2016, Li_2023, Li_2022). These data indicate that the variant is very likely to be associated with disease. The following publications have been ascertained in the context of this evaluation (PMID: 28127548, 32188678, 36110214, 36729443). ClinVar contains an entry for this variant (Variation ID: 2202939). Based on the evidence outlined above, the variant was classified as pathogenic.

Natera, Inc.
Classification: Likely pathogenic for Usher syndrome type 2A. Last evaluated: 2024-06-30. Review status: criteria provided, single submitter. Criteria: Natera Variant Classification Schema (03/2026). Collection method: clinical testing. Allele origin: germline.
Comment: The c.13546G>T variant in USH2A is a missense variant predicted to cause substitution of glycine to tryptophan at amino acid 4516. This variant is rare in the general population with a frequency below the threshold expected for the associated phenotype(s). This variant has been observed in one or more individuals affected with the associated recessive disease, as either homozygous or compound heterozygous with a second variant (PMID: 32188678, 36110214). Computational prediction algorithms indicate this variant is likely to affect gene or protein function. Given the available evidence, this variant is classified as Likely Pathogenic.

Labcorp Genetics (formerly Invitae), Labcorp
Classification: Pathogenic. Last evaluated: 2024-03-31. Review status: criteria provided, single submitter. Criteria: Invitae Variant Classification Sherloc (09022015). Collection method: clinical testing. Allele origin: germline.
Comment: This sequence change replaces glycine, which is neutral and non-polar, with tryptophan, which is neutral and slightly polar, at codon 4516 of the USH2A protein (p.Gly4516Trp). This variant is not present in population databases (gnomAD no frequency). This missense change has been observed in individual(s) with Usher syndrome (PMID: 28127548, 32188678). ClinVar contains an entry for this variant (Variation ID: 2202939). Advanced modeling of protein sequence and biophysical properties (such as structural, functional, and spatial information, amino acid conservation, physicochemical variation, residue mobility, and thermodynamic stability) performed at Invitae indicates that this missense variant is expected to disrupt USH2A protein function with a positive predictive value of 95%. This variant disrupts the p.Gly4516 amino acid residue in USH2A. Other variant(s) that disrupt this residue have been determined to be pathogenic (PMID: 28704108; Invitae). This suggests that this residue is clinically significant, and that variants that disrupt this residue are likely to be disease-causing. For these reasons, this variant has been classified as Pathogenic.

Baylor Genetics
Classification: Likely pathogenic for Retinitis pigmentosa 39. Last evaluated: 2022-11-23. Review status: criteria provided, single submitter. Criteria: ACMG Guidelines, 2015. Collection method: clinical testing. Allele origin: unknown.

Blueprint Genetics
Classification: Uncertain significance. Last evaluated: 2021-10-21. Review status: criteria provided, single submitter. Criteria: ACMG Guidelines, 2015. Collection method: clinical testing. Allele origin: germline.

Juno Genomics, Hangzhou Juno Genomics, Inc
Classification: Likely pathogenic for Retinitis pigmentosa 39; Usher syndrome type 2A. Review status: criteria provided, single submitter. Criteria: ACMG Guidelines, 2015. Collection method: clinical testing. Allele origin: germline.
Comment: Absent from controls (or at extremely low frequency if recessive) in Genome Aggregation Database.;Multiple lines of computational evidence support a deleterious effect on the gene or gene product.;For recessive disorders, detected in trans with a pathogenic variant.

Literature cited by the submitters: PubMed 32188678 (cited by 3 submitters); PubMed 28127548 (cited by Women's Health and Genetics/Laboratory Corporation of America, LabCorp and Labcorp Genetics (formerly Invitae), Labcorp); PubMed 36729443 (cited by Women's Health and Genetics/Laboratory Corporation of America, LabCorp); PubMed 36110214 (cited by Women's Health and Genetics/Laboratory Corporation of America, LabCorp and Natera, Inc.); PubMed 28704108 (cited by Labcorp Genetics (formerly Invitae), Labcorp).

NM_206933.4(USH2A):c.13546G>T (p.Gly4516Trp)

Gene: USH2A (usherin; minus strand). Cytogenetic location: 1q41.
Variant type: single nucleotide variant.
Coding change: c.13546G>T on transcript NM_206933.4 (MANE Select); coding-DNA position 13546, G replaced by T.
Protein change: p.Gly4516Trp; replaces glycine 4516 with tryptophan.
Molecular consequence: missense variant.
Genome position (GRCh38, 1-based): chr1:215,674,365, C>A on the plus strand (G>T on the coding strand, the complement: USH2A is on the minus strand). VCF-style: chr1-215674365-C-A. GRCh37 (hg19) VCF-style: chr1-215847707-C-A.
Other names: c.13546G>T (NM_206933.2); short protein forms G4516W.
Identifiers: ClinVar variation 2202939 (VCV002202939.10), dbSNP rs2464894731, ClinGen allele CA344844674.